The following is an entry in ClinVar:

ClinVar aggregate classification (germline): Uncertain significance. Review status: criteria provided, multiple submitters, no conflicts (2 of 4 stars). 2 submissions from 2 submitters: Uncertain significance (2). Last evaluated 2025-11-25.

Conditions:
Inborn genetic diseases. Identifiers: MedGen C0950123, MeSH D030342.

Submissions (2):

Ambry Genetics
Classification: Uncertain significance for Inborn genetic diseases. Last evaluated: 2025-11-25. Review status: criteria provided, single submitter. Criteria: Ambry Variant Classification Scheme 2023. Collection method: clinical testing. Allele origin: germline.

Labcorp Genetics (formerly Invitae), Labcorp
Classification: Uncertain significance. Last evaluated: 2025-08-20. Review status: criteria provided, single submitter. Criteria: Invitae Variant Classification Sherloc (09022015). Collection method: clinical testing. Allele origin: germline.
Comment: This sequence change replaces leucine, which is neutral and non-polar, with valine, which is neutral and non-polar, at codon 374 of the RIPK1 protein (p.Leu374Val). This variant is not present in population databases (gnomAD no frequency). This variant has not been reported in the literature in individuals affected with RIPK1-related conditions. An algorithm developed to predict the effect of missense changes on protein structure and function outputs the following: PolyPhen-2: "Possibly Damaging". The valine amino acid residue is found in multiple mammalian species, which suggests that this missense change does not adversely affect protein function. In summary, the available evidence is currently insufficient to determine the role of this variant in disease. Therefore, it has been classified as a Variant of Uncertain Significance.

NM_001354930.2(RIPK1):c.1120C>G (p.Leu374Val)

Gene: RIPK1 (receptor interacting serine/threonine kinase 1; plus strand). Cytogenetic location: 6p25.2.
Variant type: single nucleotide variant.
Coding change: c.1120C>G on transcript NM_001354930.2 (MANE Select); coding-DNA position 1120, C replaced by G.
Protein change: p.Leu374Val; replaces leucine 374 with valine.
Molecular consequence: missense variant.
Genome position (GRCh38, 1-based): chr6:3,105,595, C>G. VCF-style: chr6-3105595-C-G. GRCh37 (hg19) VCF-style: chr6-3105829-C-G.
Other names: c.631C>G, p.Leu211Val (NM_001317061.3, NM_001354932.2, NM_001354933.2 and 1 more transcripts); c.982C>G, p.Leu328Val (NM_001354931.2); c.1120C>G, p.Leu374Val (NM_003804.6); short protein forms L211V, L374V, L328V.
Identifiers: ClinVar variation 4629189 (VCV004629189.2).
Genomic context (GRCh38, chr6:3,105,595, plus strand): 5'-GTGGAGGAGTCCTGGTTTGCTCCTTCCCTGGAGCACCCACAAGAAGAGAATGAGCCCAGC[C>G]TGCAGAGTAAACTCCAAGACGAAGCCAACTACCATCTTTATGGCAGCCGCATGGACAGGC-3'
Protein context (NP_001341859.1, residues 364-384): EHPQEENEPS[Leu374Val]QSKLQDEANY